The following is an entry in ClinVar:

NM_000352.6(ABCC8):c.494C>A (p.Ser165Ter)

Gene: ABCC8 (ATP binding cassette subfamily C member 8; minus strand). Cytogenetic location: 11p15.1.
Variant type: single nucleotide variant.
Coding change: c.494C>A on transcript NM_000352.6 (MANE Select); coding-DNA position 494, C replaced by A.
Protein change: p.Ser165Ter; replaces serine 165 with a stop codon.
Molecular consequence: nonsense. On other transcripts: non-coding transcript variant (1).
Genome position (GRCh38, 1-based): chr11:17,463,523, G>T on the plus strand (C>A on the coding strand, the complement: ABCC8 is on the minus strand). VCF-style: chr11-17463523-G-T. GRCh37 (hg19) VCF-style: chr11-17485070-G-T.
Other names: c.494C>A, p.Ser165Ter (NM_001287174.3, NM_001351295.2, NM_001351296.2 and 1 more transcripts); short protein forms S165*.
Identifiers: ClinVar variation 1323821 (VCV001323821.10), dbSNP rs758754046, ClinGen allele CA379780041.

ClinVar aggregate classification (germline): Pathogenic/Likely pathogenic. Review status: criteria provided, multiple submitters, no conflicts (2 of 4 stars). 3 submissions from 3 submitters: Pathogenic (1); Likely pathogenic (2). Last evaluated 2022-09-07.

Conditions:
Type 2 diabetes mellitus. Also called: Type II diabetes mellitus. Identifiers: MedGen C0011860, MeSH D003924, MONDO:0005148, OMIM 125853, HP:0005978.

gnomAD v4.1: 1 of 1,599,582 alleles (0.000063%); highest among the groups gnomAD compares: Non-Finnish European, 0.000085%; no homozygotes.

Submissions (3):

Baylor Genetics
Classification: Likely pathogenic for Type 2 diabetes mellitus. Last evaluated: 2022-09-07. Review status: criteria provided, single submitter. Criteria: ACMG Guidelines, 2015. Collection method: clinical testing. Allele origin: unknown.

Labcorp Genetics (formerly Invitae), Labcorp
Classification: Pathogenic. Last evaluated: 2021-05-19. Review status: criteria provided, single submitter. Criteria: Invitae Variant Classification Sherloc (09022015). Collection method: clinical testing. Allele origin: germline.
Comment: For these reasons, this variant has been classified as Pathogenic. Algorithms developed to predict the effect of sequence changes on RNA splicing suggest that this variant may create or strengthen a splice site, but this prediction has not been confirmed by published transcriptional studies. This variant has not been reported in the literature in individuals with ABCC8-related conditions. This variant is not present in population databases (ExAC no frequency). This sequence change creates a premature translational stop signal (p.Ser165*) in the ABCC8 gene. It is expected to result in an absent or disrupted protein product. Loss-of-function variants in ABCC8 are known to be pathogenic (PMID: 20685672, 23345197).

Revvity Omics, Revvity
Classification: Likely pathogenic. Last evaluated: 2021-02-18. Review status: criteria provided, single submitter. Criteria: ACMG Guidelines, 2015. Collection method: clinical testing. Allele origin: germline.

Literature cited by the submitters: PubMed 20685672 (cited by Labcorp Genetics (formerly Invitae), Labcorp); PubMed 23345197 (cited by Labcorp Genetics (formerly Invitae), Labcorp).